The following is an entry in ClinVar:

NM_001367624.2(ZNF469):c.11829C>G (p.Phe3943Leu)

Gene: ZNF469 (zinc finger protein 469; plus strand). Cytogenetic location: 16q24.2.
Variant type: single nucleotide variant.
Coding change: c.11829C>G on transcript NM_001367624.2 (MANE Select); coding-DNA position 11829, C replaced by G.
Protein change: p.Phe3943Leu; replaces phenylalanine 3943 with leucine.
Molecular consequence: missense variant.
Genome position (GRCh38, 1-based): chr16:88,439,299, C>G. VCF-style: chr16-88439299-C-G. GRCh37 (hg19) VCF-style: chr16-88505707-C-G.
Other names: NM_001127464.1:c.11745C>G; short protein forms F3943L.
Identifiers: ClinVar variation 1310337 (VCV001310337.2), dbSNP rs971633412, ClinGen allele CA286388584.
Genomic context (GRCh38, chr16:88,439,299, plus strand): 5'-GACGGCCGAGGCCCAGAGTGACCTCCTCAGCCAGCTCTTCGGGCAGAGACTAACTGGCTT[C>G]AAAATCCCTTTAAAGAAAGATGCTTCCGAGTAATTTCTAGGAGCAAGAGCCTGGGACCGG-3'
Protein context (NP_001354553.1, residues 3933-3953): SQLFGQRLTG[Phe3943Leu]KIPLKKDASE

ClinVar aggregate classification (germline): Uncertain significance (1 of 4 stars; one submission).

Allele frequency attached by ClinVar (database versions not stated): gnomAD exomes below 0.00001 and 0.00001; gnomAD 0.00001 and 0.00002; TOPMed 0.00001.
gnomAD v4.1: 5 of 1,550,288 alleles (0.00032%); highest among the groups gnomAD compares: African/African-American, 0.0027%; no homozygotes.

Submission:

GeneDx
Classification: Uncertain significance. Last evaluated: 2019-11-11. Review status: criteria provided, single submitter. Criteria: GeneDx Variant Classification Process June 2021. Collection method: clinical testing. Allele origin: germline. Affected: yes.
Comment: Not observed at a significant frequency in large population cohorts (Lek et al., 2016); In silico analysis, which includes protein predictors and evolutionary conservation, supports that this variant does not alter protein structure/function; Has not been previously published as pathogenic or benign to our knowledge